The following is an entry in ClinVar:

ClinVar aggregate classification (germline): Uncertain significance. Review status: criteria provided, multiple submitters, no conflicts (2 of 4 stars). 2 submissions from 2 submitters: Uncertain significance (2). Last evaluated 2025-06-24.

Conditions:
Hereditary cancer-predisposing syndrome. Also called: Hereditary neoplastic syndrome; Tumor predisposition; Hereditary Cancer Syndrome; Neoplastic Syndromes, Hereditary. Identifiers: Orphanet 140162, MedGen C0027672, MeSH D009386, MONDO:0015356.

Submissions (2):

Dasa
Classification: Uncertain significance. Last evaluated: 2025-06-24. Review status: criteria provided, single submitter. Criteria: DASA Assertion Criteria. Collection method: clinical testing. Allele origin: germline.
Comment: NM_002354.3(EPCAM):c.590A>C (p.Gln197Pro) is a missense variant that results in the substitution of glutamine with proline. This variant is absent from population databases. Computational prediction algorithms are consistent with a deleterious effect. The currently available literature and clinical evidence are not sufficient to establish a definitive association between this variant and the reported condition. Therefore, this variant is classified as a variant of uncertain significance.

Ambry Genetics
Classification: Uncertain significance for Hereditary cancer-predisposing syndrome. Last evaluated: 2024-03-21. Review status: criteria provided, single submitter. Criteria: Ambry Variant Classification Scheme 2023. Collection method: clinical testing. Allele origin: germline.
Comment: The p.Q197P variant (also known as c.590A>C), located in coding exon 6 of the EPCAM gene, results from an A to C substitution at nucleotide position 590. The glutamine at codon 197 is replaced by proline, an amino acid with similar properties. This amino acid position is conserved. In addition, this alteration is predicted to be deleterious by in silico analysis. Based on the available evidence, the clinical significance of this alteration remains unclear.

NM_002354.3(EPCAM):c.590A>C (p.Gln197Pro)

Gene: EPCAM (epithelial cell adhesion molecule; plus strand). Cytogenetic location: 2p21.
Variant type: single nucleotide variant.
Coding change: c.590A>C on transcript NM_002354.3 (MANE Select); coding-DNA position 590, A replaced by C.
Protein change: p.Gln197Pro; replaces glutamine 197 with proline.
Molecular consequence: missense variant.
Genome position (GRCh38, 1-based): chr2:47,378,987, A>C. VCF-style: chr2-47378987-A-C. GRCh37 (hg19) VCF-style: chr2-47606126-A-C.
Other names: short protein forms Q197P.
Identifiers: ClinVar variation 3275811 (VCV003275811.3).